The following is an entry in ClinVar:

NM_000540.3(RYR1):c.7082C>G (p.Pro2361Arg)

Gene: RYR1 (ryanodine receptor 1; plus strand). Cytogenetic location: 19q13.2.
Variant type: single nucleotide variant.
Coding change: c.7082C>G on transcript NM_000540.3 (MANE Select); coding-DNA position 7082, C replaced by G.
Protein change: p.Pro2361Arg; replaces proline 2361 with arginine.
Molecular consequence: missense variant.
Genome position (GRCh38, 1-based): chr19:38,499,689, C>G. VCF-style: chr19-38499689-C-G. GRCh37 (hg19) VCF-style: chr19-38990329-C-G.
Other names: c.7082C>G, p.Pro2361Arg (NM_001042723.2); short protein forms P2361R.
Identifiers: ClinVar variation 478266 (VCV000478266.9), dbSNP rs1308388953, ClinGen allele CA405667980.

ClinVar aggregate classification (germline): Uncertain significance. Review status: criteria provided, single submitter (1 of 4 stars). 2 submissions from 2 submitters: Uncertain significance (1). 1 of the submissions does not count toward it. Last evaluated 2017-01-05.

Conditions:
RYR1-related disorder. Also called: RYR1-related condition; RYR1-related disorders. Identifiers: MedGen CN239331.

Allele frequency attached by ClinVar (database versions not stated): TOPMed below 0.00001.

Submissions (2):

Labcorp Genetics (formerly Invitae), Labcorp
Classification: Uncertain significance for RYR1-related disorder. Last evaluated: 2017-01-05. Review status: criteria provided, single submitter. Criteria: Invitae Variant Classification Sherloc (09022015). Collection method: clinical testing. Allele origin: germline.
Comment: This sequence change is located in the central mutational hotspot of the RYR1 protein where a significant number of previously reported RYR1 missense mutations are found (PMID: 16084090). In summary, this variant is a novel missense change with uncertain impact on protein function. It has been classified as a Variant of Uncertain Significance. Algorithms developed to predict the effect of sequence changes on RNA splicing suggest that this variant may alter RNA splicing, but this prediction has not been confirmed by published transcriptional studies. Algorithms developed to predict the effect of missense changes on protein structure and function do not agree on the potential impact of this missense change (SIFT: "Deleterious"; PolyPhen-2: "Benign"; Align-GVGD: "Class C0"). This variant is not present in population databases (ExAC no frequency) and has not been reported in the literature in individuals with a RYR1-related disease. This sequence change replaces proline with arginine at codon 2361 of the RYR1 protein (p.Pro2361Arg). The proline residue is highly conserved and there is a moderate physicochemical difference between proline and arginine.

PreventionGenetics, part of Exact Sciences
Classification: Uncertain significance for RYR1-related condition. Last evaluated: 2024-07-01. Review status: no assertion criteria provided. Collection method: clinical testing. Allele origin: germline. Not counted in ClinVar's aggregate classification.
Comment: The RYR1 c.7082C>G variant is predicted to result in the amino acid substitution p.Pro2361Arg. This variant is also predicted to activate a cryptic donor site within the exon (SpliceAI, Jaganathan K, et al. 2019. PubMed ID: 30661751). This variant has been reported to occur de novo in an individual with a developmental disorder; however, detailed phenotypic information was not available and the patient also had a de novo variant in TREX1 (Kaplanis et al. 2020. PubMed ID: 33057194; Zhou et al. 2022. PubMed ID: 35982159). To our knowledge, this variant has not been reported a large population database, indicating this variant is rare. This variant is located in exon 44 which is a hotspot region for variants that are associated with malignant hyperthermia susceptibility. At this time, the clinical significance of this variant is uncertain due to the absence of conclusive functional and genetic evidence.

Literature cited by the submitters: PubMed 16084090 (cited by Labcorp Genetics (formerly Invitae), Labcorp).